The following is an entry in ClinVar:

ClinVar aggregate classification (germline): Likely benign (1 of 4 stars; one submission).

Conditions:
Weill-Marchesani 4 syndrome, recessive. Also called: Weill-Marchesani syndrome 4. Identifiers: Orphanet 363992, MedGen C2750787, MONDO:0013176, OMIM 613195.

Allele frequency attached by ClinVar (database versions not stated): 1000 Genomes Project 0.00060; 1000 Genomes Project 30x 0.00094; gnomAD 0.00098 and 0.00101; TOPMed 0.00113.

Submission:

Illumina Laboratory Services, Illumina
Classification: Likely benign for Weill-Marchesani 4 syndrome, recessive. Last evaluated: 2018-01-13. Review status: criteria provided, single submitter. Criteria: ICSL Variant Classification Criteria 13 December 2019. Collection method: clinical testing. Allele origin: germline.
Comment: This variant was observed in the ICSL laboratory as part of a predisposition screen in an ostensibly healthy population. It had not been previously curated by ICSL or reported in the Human Gene Mutation Database (HGMD: prior to June 1st, 2018), and was therefore a candidate for classification through an automated scoring system. Utilizing variant allele frequency, disease prevalence and penetrance estimates, and inheritance mode, an automated score was calculated to assess if this variant is too frequent to cause the disease. Based on the score and internal cut-off values, a variant classified as likely benign is not then subjected to further curation. The score for this variant resulted in a classification of likely benign for this disease.

NM_139057.4(ADAMTS17):c.*960G>A

Gene: ADAMTS17 (ADAM metallopeptidase with thrombospondin type 1 motif 17; minus strand). Cytogenetic location: 15q26.3.
Variant type: single nucleotide variant.
Coding change: c.*960G>A on transcript NM_139057.4 (MANE Select); 960 bases downstream of the stop codon, G replaced by A.
Molecular consequence: 3 prime UTR variant.
Genome position (GRCh38, 1-based): chr15:99,973,442, C>T on the plus strand (G>A on the coding strand, the complement: ADAMTS17 is on the minus strand). VCF-style: chr15-99973442-C-T. GRCh37 (hg19) VCF-style: chr15-100513647-C-T.
Identifiers: ClinVar variation 315206 (VCV000315206.5), dbSNP rs180868548, ClinGen allele CA10636909.